The following is an entry in ClinVar:

ClinVar aggregate classification (germline): Likely benign. Review status: criteria provided, multiple submitters, no conflicts (2 of 4 stars). 2 submissions from 2 submitters: Likely benign (2). Last evaluated 2023-12-11.

Allele frequency attached by ClinVar (database versions not stated): gnomAD exomes below 0.00001; TOPMed below 0.00001; ExAC 0.00001; gnomAD 0.00001.
gnomAD v4.1: 8 of 1,610,464 alleles (0.0005%); highest among the groups gnomAD compares: Admixed American, 0.0017%; no homozygotes.

Submissions (2):

Blueprint Genetics
Classification: Likely benign. Last evaluated: 2023-12-11. Review status: criteria provided, single submitter. Criteria: ACMG Guidelines, 2015. Collection method: clinical testing. Allele origin: germline.

GeneDx
Classification: Likely benign. Last evaluated: 2015-10-28. Review status: criteria provided, single submitter. Criteria: GeneDx Variant Classification (06012015). Collection method: clinical testing. Allele origin: germline. Affected: yes.
Comment: This variant is considered likely benign or benign based on one or more of the following criteria: it is a conservative change, it occurs at a poorly conserved position in the protein, it is predicted to be benign by multiple in silico algorithms, and/or has population frequency not consistent with disease.

NM_014000.3(VCL):c.-13G>A

Genes: VCL (vinculin; plus strand), LOC130004109 (ATAC-STARR-seq lymphoblastoid active region 3587; plus strand). Cytogenetic location: 10q22.2.
Variant type: single nucleotide variant.
Coding change: c.-13G>A on transcript NM_014000.3 (MANE Select); 13 bases upstream of the start codon, G replaced by A.
Molecular consequence: 5 prime UTR variant.
Genome position (GRCh38, 1-based): chr10:73,998,195, G>A. VCF-style: chr10-73998195-G-A. GRCh37 (hg19) VCF-style: chr10-75757953-G-A.
Other names: c.-13G>A (NM_003373.4).
Identifiers: ClinVar variation 381051 (VCV000381051.2), dbSNP rs780482320, ClinGen allele CA5562690.